The following is an entry in ClinVar:

NM_004525.3(LRP2):c.4875T>C (p.Cys1625=)

Gene: LRP2 (LDL receptor related protein 2; minus strand). Cytogenetic location: 2q31.1.
Variant type: single nucleotide variant.
Coding change: c.4875T>C on transcript NM_004525.3 (MANE Select); coding-DNA position 4875, T replaced by C.
Protein change: p.Cys1625=; no amino-acid change (cysteine 1625 retained).
Molecular consequence: synonymous variant.
Genome position (GRCh38, 1-based): chr2:169,235,885, A>G on the plus strand (T>C on the coding strand, the complement: LRP2 is on the minus strand). VCF-style: chr2-169235885-A-G. GRCh37 (hg19) VCF-style: chr2-170092395-A-G.
Other names: p.Cys1625=.
Identifiers: ClinVar variation 129526 (VCV000129526.31), dbSNP rs2229267, ClinGen allele CA153589.

ClinVar aggregate classification (germline): Benign. Review status: criteria provided, multiple submitters, no conflicts (2 of 4 stars). 11 submissions from 11 submitters: Benign (8). 3 of the submissions do not count toward it. Last evaluated 2026-02-04.

Conditions:
Donnai-Barrow syndrome. Also called: FACIOOCULOACOUSTICORENAL SYNDROME; DBS/FOAR SYNDROME. Identifiers: Orphanet 2143, MedGen C1857277, MONDO:0009104, OMIM 222448.

Allele frequency attached by ClinVar (database versions not stated): gnomAD exomes 0.26239 and 0.33414; ExAC 0.33374; ESP Exome Variant Server 0.37798; gnomAD 0.38438 and 0.38704; TOPMed 0.41601; 1000 Genomes Project 0.46126; 1000 Genomes Project 30x 0.47002.
gnomAD v4.1: 443,912 of 1,613,596 alleles (28%); highest among the groups gnomAD compares: African/African-American, 66%; 71,102 homozygotes.

Submissions (11):

Labcorp Genetics (formerly Invitae), Labcorp
Classification: Benign. Last evaluated: 2026-02-04. Review status: criteria provided, single submitter. Criteria: Invitae Variant Classification Sherloc (09022015). Collection method: clinical testing. Allele origin: germline.

Blueprint Genetics
Classification: Benign. Last evaluated: 2024-11-26. Review status: criteria provided, single submitter. Criteria: ACMG Guidelines, 2015. Collection method: clinical testing. Allele origin: germline.

Mayo Clinic Laboratories, Mayo Clinic
Classification: Benign. Last evaluated: 2022-11-10. Review status: criteria provided, single submitter. Criteria: ACMG Guidelines, 2015. Collection method: clinical testing. Allele origin: germline. Observed: 67 variant alleles.

Genome-Nilou Lab
Classification: Benign for Donnai-Barrow syndrome. Last evaluated: 2021-08-19. Review status: criteria provided, single submitter. Criteria: ACMG Guidelines, 2015. Collection method: clinical testing. Allele origin: germline. Affected: no.

Illumina Laboratory Services, Illumina
Classification: Benign for Donnai-Barrow syndrome. Last evaluated: 2018-01-12. Review status: criteria provided, single submitter. Criteria: ICSL Variant Classification Criteria 13 December 2019. Collection method: clinical testing. Allele origin: germline.
Comment: This variant was observed in the ICSL laboratory as part of a predisposition screen in an ostensibly healthy population. It had not been previously curated by ICSL or reported in the Human Gene Mutation Database (HGMD: prior to June 1st, 2018), and was therefore a candidate for classification through an automated scoring system. Utilizing variant allele frequency, disease prevalence and penetrance estimates, and inheritance mode, an automated score was calculated to assess if this variant is too frequent to cause the disease. Based on the score and internal cut-off values, a variant classified as benign is not then subjected to further curation. The score for this variant resulted in a classification of benign for this disease.

GeneDx
Classification: Benign. Last evaluated: 2015-03-03. Review status: criteria provided, single submitter. Criteria: GeneDx Variant Classification Process June 2021. Collection method: clinical testing. Allele origin: germline. Affected: yes.

Breakthrough Genomics
Classification: Benign. Review status: criteria provided, single submitter. Criteria: ACMG Guidelines, 2015. Collection method: not provided. Allele origin: germline. Inheritance: Autosomal recessive inheritance. Affected: yes.

PreventionGenetics, part of Exact Sciences
Classification: Benign. Review status: criteria provided, single submitter. Criteria: ACMG Guidelines, 2015. Collection method: clinical testing. Allele origin: germline.

Diagnostic Laboratory, Department of Genetics, University Medical Center Groningen
Classification: Benign. Review status: no assertion criteria provided. Collection method: clinical testing. Allele origin: germline. Affected: yes. Study: VKGL Data-share Consensus. Not counted in ClinVar's aggregate classification.

Genetic Services Laboratory, University of Chicago
Classification: Likely benign for AllHighlyPenetrant. Review status: no assertion criteria provided. Collection method: clinical testing. Allele origin: germline. Inheritance: Autosomal recessive inheritance. Not counted in ClinVar's aggregate classification.
Comment: Likely benign based on allele frequency in 1000 Genomes Project or ESP global frequency and its presence in a patient with a rare or unrelated disease phenotype. NOT Sanger confirmed.

Joint Genome Diagnostic Labs from Nijmegen and Maastricht, Radboudumc and MUMC+
Classification: Benign. Review status: no assertion criteria provided. Collection method: clinical testing. Allele origin: germline. Affected: yes. Study: VKGL Data-share Consensus. Not counted in ClinVar's aggregate classification.